The following is an entry in ClinVar:

ClinVar aggregate classification (germline): Conflicting classifications of pathogenicity. Review status: criteria provided, conflicting classifications (1 of 4 stars). 14 submissions from 14 submitters: Uncertain significance (4); Likely benign (7). 3 of the submissions do not count toward it. Last evaluated 2026-01-06.

Conditions:
Cardiovascular phenotype. Identifiers: MedGen CN230736.
Cardiomyopathy (CMYO). Also called: Cardiomyopathies. Identifiers: Orphanet 167848, MedGen C0878544, MONDO:0004994, HP:0001638. Inheritance: Various modes of inheritance.
Dilated cardiomyopathy 1DD (CMD1DD). Identifiers: Orphanet 154, MedGen C2750995, MONDO:0013168, OMIM 613172.

Allele frequency attached by ClinVar (database versions not stated): TOPMed 0.00026; ExAC 0.00066.
gnomAD v4.1: 382 of 1,550,564 alleles (0.025%); highest among the groups gnomAD compares: Non-Finnish European, 0.03%; 1 homozygote.

Submissions (14):

Labcorp Genetics (formerly Invitae), Labcorp
Classification: Likely benign for Dilated cardiomyopathy 1DD. Last evaluated: 2026-01-06. Review status: criteria provided, single submitter. Criteria: Invitae Variant Classification Sherloc (09022015). Collection method: clinical testing. Allele origin: germline.

GeneDx
Classification: Uncertain significance. Last evaluated: 2025-11-04. Review status: criteria provided, single submitter. Criteria: GeneDx Variant Classification Process June 2021. Collection method: clinical testing. Allele origin: germline. Affected: yes.
Comment: Reported in one patient with probable or definite statin-associated myopathy (PMID: 27296017); Also reported in individuals with left ventricular non-compaction (LVNC), dilated cardiomyopathy (DCM) and hypertrophic cardiomyopathy (HCM); however, additional cardiogenetic variants were identified in some cases (PMID: 32880476, 28798025, 26084686, 28087566, 30847666, 30775854); In silico analysis supports that this missense variant has a deleterious effect on protein structure/function; This variant is associated with the following publications: (PMID: 32851336, 32880476, 30775854, 28087566, 30847666, 26084686, 28798025, 27296017, 38540378, 38473809)

Mayo Clinic Laboratories, Mayo Clinic
Classification: Likely benign. Last evaluated: 2025-02-28. Review status: criteria provided, single submitter. Criteria: ACMG Guidelines, 2015. Collection method: clinical testing. Allele origin: germline. Observed: 2 variant alleles.
Comment: BS1

Laboratory of Genetics, Children's Clinical University Hospital Latvia
Classification: Likely benign. Last evaluated: 2025-02-16. Review status: criteria provided, single submitter. Criteria: ACMG Guidelines, 2015. Collection method: clinical testing. Allele origin: germline. Affected: yes.

Blueprint Genetics
Classification: Likely benign. Last evaluated: 2024-11-04. Review status: criteria provided, single submitter. Criteria: ACMG Guidelines, 2015. Collection method: clinical testing. Allele origin: germline.

Women's Health and Genetics/Laboratory Corporation of America, LabCorp
Classification: Likely benign. Last evaluated: 2023-12-18. Review status: criteria provided, single submitter. Criteria: LabCorp Variant Classification Summary - May 2015. Collection method: clinical testing. Allele origin: germline.
Comment: Variant summary: RBM20 c.3584C>A (p.Ser1195Tyr) results in a non-conservative amino acid change in the encoded protein sequence. Five of five in-silico tools predict a damaging effect of the variant on protein function. The variant allele was found at a frequency of 0.00028 in 150986 control chromosomes, predominantly at a frequency of 0.0006 within the Non-Finnish European subpopulation in the gnomAD database. The observed variant frequency within Non-Finnish European control individuals in the gnomAD database is approximately 13 fold of the estimated maximal expected allele frequency for a pathogenic variant in RBM20 causing Dilated Cardiomyopathy phenotype (4.7e-05), strongly suggesting that the variant is a benign polymorphism found primarily in populations of Non-Finnish European origin. c.3584C>A has been reported in the literature in individuals affected with Dilated Cardiomyopathy or Left ventricular non-compaction (Miszalski-Jamka_2017, Verdonschot_2020). These reports do not provide unequivocal conclusions about association of the variant with Dilated Cardiomyopathy. To our knowledge, no experimental evidence demonstrating an impact on protein function has been reported. The following publications have been ascertained in the context of this evaluation (PMID: 28798025, 32880476). Seven submitters have cited clinical-significance assessments for this variant to ClinVar after 2014 and classified this variant as uncertain significance (n=4) and likely benign (n=3). Based on the evidence outlined above, the variant was classified as likely benign.

Ambry Genetics
Classification: Likely benign for Cardiovascular phenotype. Last evaluated: 2022-04-25. Review status: criteria provided, single submitter. Criteria: Ambry Variant Classification Scheme 2023. Collection method: clinical testing. Allele origin: germline.

CHEO Genetics Diagnostic Laboratory, Children's Hospital of Eastern Ontario
Classification: Likely benign for Cardiomyopathy. Last evaluated: 2020-01-06. Review status: criteria provided, single submitter. Criteria: ACMG Guidelines, 2015. Collection method: clinical testing. Allele origin: germline.

Fulgent Genetics
Classification: Uncertain significance for Dilated cardiomyopathy 1DD. Last evaluated: 2018-10-31. Review status: criteria provided, single submitter. Criteria: ACMG Guidelines, 2015. Collection method: clinical testing. Allele origin: unknown.

Illumina Laboratory Services, Illumina
Classification: Uncertain significance for Dilated cardiomyopathy 1DD. Last evaluated: 2017-04-28. Review status: criteria provided, single submitter. Criteria: ICSL Variant Classification Criteria 13 December 2019. Collection method: clinical testing. Allele origin: germline.

Eurofins Ntd Llc (ga)
Classification: Uncertain significance. Last evaluated: 2015-01-14. Review status: criteria provided, single submitter. Criteria: EGL Classification Definitions 2015. Collection method: clinical testing. Allele origin: germline. Observed: 1 variant allele, 1 heterozygote.

Clinical Genetics, Academic Medical Center
Classification: Uncertain significance. Review status: no assertion criteria provided. Collection method: clinical testing. Allele origin: germline. Affected: yes. Study: VKGL Data-share Consensus. Not counted in ClinVar's aggregate classification.

Diagnostic Laboratory, Department of Genetics, University Medical Center Groningen
Classification: Uncertain significance. Review status: no assertion criteria provided. Collection method: clinical testing. Allele origin: germline. Affected: yes. Study: VKGL Data-share Consensus. Not counted in ClinVar's aggregate classification.

Joint Genome Diagnostic Labs from Nijmegen and Maastricht, Radboudumc and MUMC+
Classification: Uncertain significance. Review status: no assertion criteria provided. Collection method: clinical testing. Allele origin: germline. Affected: yes. Study: VKGL Data-share Consensus. Not counted in ClinVar's aggregate classification.

Literature cited by the submitters: PubMed 26084686 (cited by Mayo Clinic Laboratories, Mayo Clinic and Ambry Genetics); PubMed 27296017 (cited by Mayo Clinic Laboratories, Mayo Clinic and Ambry Genetics); PubMed 28087566 (cited by Mayo Clinic Laboratories, Mayo Clinic and Ambry Genetics); PubMed 28798025 (cited by 3 submitters); PubMed 30847666 (cited by Mayo Clinic Laboratories, Mayo Clinic and Ambry Genetics); PubMed 32880476 (cited by 3 submitters); PubMed 32851336 (cited by Ambry Genetics).

NM_001134363.3(RBM20):c.3584C>A (p.Ser1195Tyr)

Gene: RBM20 (RNA binding motif protein 20; plus strand). Cytogenetic location: 10q25.2.
Variant type: single nucleotide variant.
Coding change: c.3584C>A on transcript NM_001134363.3 (MANE Select); coding-DNA position 3584, C replaced by A.
Protein change: p.Ser1195Tyr; replaces serine 1195 with tyrosine.
Molecular consequence: missense variant.
Genome position (GRCh38, 1-based): chr10:110,835,878, C>A. VCF-style: chr10-110835878-C-A. GRCh37 (hg19) VCF-style: chr10-112595636-C-A.
Other names: p.Ser1195Tyr; c.3584C>A (LRG_382t1); short protein forms S1195Y.
Identifiers: ClinVar variation 194356 (VCV000194356.50), dbSNP rs753102653, ClinGen allele CA240285.